The following is an entry in ClinVar:

ClinVar aggregate classification (germline): Uncertain significance (1 of 4 stars; one submission).

Allele frequency attached by ClinVar (database versions not stated): gnomAD exomes below 0.00001 and 0.00001; TOPMed below 0.00001.
gnomAD v4.1: 11 of 1,613,764 alleles (0.00068%); highest among the groups gnomAD compares: Non-Finnish European, 0.00085%; no homozygotes.

Submission:

Labcorp Genetics (formerly Invitae), Labcorp
Classification: Uncertain significance. Last evaluated: 2025-05-13. Review status: criteria provided, single submitter. Criteria: Invitae Variant Classification Sherloc (09022015). Collection method: clinical testing. Allele origin: germline.
Comment: This sequence change replaces glutamic acid, which is acidic and polar, with glycine, which is neutral and non-polar, at codon 1325 of the WHSC1 protein (p.Glu1325Gly). This variant is present in population databases (no rsID available, gnomAD 0.0009%). This missense change has been observed in individual(s) with neurodevelopmental disorder (PMID: 33004838). ClinVar contains an entry for this variant (Variation ID: 1680223). Invitae Evidence Modeling of protein sequence and biophysical properties (such as structural, functional, and spatial information, amino acid conservation, physicochemical variation, residue mobility, and thermodynamic stability) indicates that this missense variant is expected to disrupt WHSC1 protein function with a positive predictive value of 80%. In summary, the available evidence is currently insufficient to determine the role of this variant in disease. Therefore, it has been classified as a Variant of Uncertain Significance.

Literature cited by the submitters: PubMed 33004838.

NM_001042424.3(NSD2):c.3974A>G (p.Glu1325Gly)

Gene: NSD2 (nuclear receptor binding SET domain protein 2; plus strand). Cytogenetic location: 4p16.3.
Variant type: single nucleotide variant.
Coding change: c.3974A>G on transcript NM_001042424.3 (MANE Select); coding-DNA position 3974, A replaced by G.
Protein change: p.Glu1325Gly; replaces glutamic acid 1325 with glycine.
Molecular consequence: missense variant.
Genome position (GRCh38, 1-based): chr4:1,978,785, A>G. VCF-style: chr4-1978785-A-G. GRCh37 (hg19) VCF-style: chr4-1980512-A-G.
Other names: c.3974A>G, p.Glu1325Gly (NM_133330.3, NM_133331.3, NM_133335.4); short protein forms E1325G.
Identifiers: ClinVar variation 1680223 (VCV001680223.8), dbSNP rs985805727, ClinGen allele CA91299900.